The following is an entry in ClinVar:

NM_000038.6(APC):c.136-2A>G

Gene: APC (APC regulator of Wnt signaling pathway; plus strand). Cytogenetic location: 5q22.2.
Variant type: single nucleotide variant.
Coding change: c.136-2A>G on transcript NM_000038.6 (MANE Select); the canonical splice acceptor site of the intron before coding-DNA position 136, A replaced by G.
Molecular consequence: splice acceptor variant.
Genome position (GRCh38, 1-based): chr5:112,766,324, A>G. VCF-style: chr5-112766324-A-G. GRCh37 (hg19) VCF-style: chr5-112102021-A-G.
Other names: c.-900-2A>G (NM_001407470.1, NM_001407472.1, NM_001354906.2 and 1 more transcripts); c.136-2A>G (NM_001407447.1, NM_001354895.2, NM_001407456.1 and 16 more transcripts); c.166-2A>G (NM_001407446.1, NM_001354897.2, NM_001354902.2 and 1 more transcripts); c.-42-2A>G (NM_001407453.1, NM_001354900.2, NM_001354901.2 and 1 more transcripts); c.61-2A>G (NM_001407451.1, NM_001354898.2, NM_001354904.2).
Identifiers: ClinVar variation 265561 (VCV000265561.12), dbSNP rs886039625, ClinGen allele CA10588375.

ClinVar aggregate classification (germline): Pathogenic/Likely pathogenic. Review status: criteria provided, multiple submitters, no conflicts (2 of 4 stars). 3 submissions from 3 submitters: Pathogenic (2); Likely pathogenic (1). Last evaluated 2025-01-15.

Conditions:
Familial adenomatous polyposis 1 (FAP1). Also called: FAMILIAL ADENOMATOUS POLYPOSIS 1, ATTENUATED; POLYPOSIS, ADENOMATOUS INTESTINAL. Identifiers: MedGen C2713442, MONDO:0021056, OMIM 175100. Disease mechanism: loss of function.
Hereditary cancer-predisposing syndrome. Also called: Neoplastic Syndromes, Hereditary; Hereditary neoplastic syndrome; Hereditary Cancer Syndrome; Tumor predisposition. Identifiers: Orphanet 140162, MedGen C0027672, MeSH D009386, MONDO:0015356.

Submissions (3):

Labcorp Genetics (formerly Invitae), Labcorp
Classification: Pathogenic for Familial adenomatous polyposis 1. Last evaluated: 2025-01-15. Review status: criteria provided, single submitter. Criteria: Invitae Variant Classification Sherloc (09022015). Collection method: clinical testing. Allele origin: germline.
Comment: This sequence change affects an acceptor splice site in intron 2 of the APC gene. RNA analysis indicates that disruption of this splice site induces altered splicing and may result in an absent or altered protein product. This variant is not present in population databases (gnomAD no frequency). This variant has not been reported in the literature in individuals affected with APC-related conditions. ClinVar contains an entry for this variant (Variation ID: 265561). Studies have shown that disruption of this splice site results in skipping of exon 3, and produces a non-functional protein and/or introduces a premature termination codon (internal data). For these reasons, this variant has been classified as Pathogenic.

Ambry Genetics
Classification: Likely pathogenic for Hereditary cancer-predisposing syndrome. Last evaluated: 2024-12-09. Review status: criteria provided, single submitter. Criteria: Ambry Variant Classification Scheme 2023. Collection method: clinical testing. Allele origin: germline.
Comment: The c.136-2A>G intronic variant results from an A to G substitution two nucleotides upstream from coding exon 2 in the APC gene. This variant is considered to be rare based on population cohorts in the Genome Aggregation Database (gnomAD). This nucleotide position is highly conserved in available vertebrate species. In silico splice site analysis predicts that this alteration will weaken the native splice acceptor site and may result in the creation or strengthening of a novel splice acceptor site. Alterations that disrupt the canonical splice site are expected to cause aberrant splicing, resulting in an abnormal protein or a transcript that is subject to nonsense-mediated mRNA decay. As such, this alteration is classified as likely pathogenic. However, variants at this splice site are associated with an attenuated phenotype and may have reduced penetrance compared to classic familial adenomatous polyposis syndrome. Clinical correlation is advised.

GeneDx
Classification: Pathogenic. Last evaluated: 2018-04-12. Review status: criteria provided, single submitter. Criteria: GeneDx Variant Classification (06012015). Collection method: clinical testing. Allele origin: germline. Affected: yes.
Comment: This variant is denoted APC c.136-2A>G or IVS2-2A>G and consists of an A>G nucleotide substitution at the -2 position of intron 2 of the APC gene. This variant destroys a canonical splice acceptor site and is predicted to cause abnormal gene splicing, leading to an abnormal message that is subject to nonsense-mediated mRNA decay or to an abnormal protein product. This variant has not, to our knowledge, been published in the literature. Based on the current evidence, we consider this variant to be pathogenic.